The following is an entry in ClinVar:

NM_004656.4(BAP1):c.65del (p.Phe22fs)

Gene: BAP1 (BRCA1 associated deubiquitinase 1; minus strand). Cytogenetic location: 3p21.1.
Variant type: Deletion.
Coding change: c.65del on transcript NM_004656.4 (MANE Select); coding-DNA position 65, one base deleted (T; older notation c.65delT).
Protein change: p.Phe22fs; shifts the reading frame from phenylalanine 22.
Molecular consequence: frameshift variant.
Genome position (GRCh38, 1-based): chr3:52,409,716, A deleted on the plus strand (T on the coding strand, the reverse complement: BAP1 is on the minus strand); the first of 3 consecutive A bases (chr3:52,409,716-52,409,718); deleting any one gives the same sequence. VCF-style (leftmost placement, unchanged base first): chr3-52409715-GA-G. GRCh37 (hg19) VCF-style: chr3-52443731-GA-G.
Other names: c.65del (LRG_529t1); short protein forms F22fs.
Identifiers: ClinVar variation 412414 (VCV000412414.13), dbSNP rs1060503735, ClinGen allele CA16611368.

ClinVar aggregate classification (germline): Pathogenic. Review status: criteria provided, multiple submitters, no conflicts (2 of 4 stars). 3 submissions from 3 submitters: Pathogenic (3). Last evaluated 2025-08-22.

Conditions:
BAP1-related tumor predisposition syndrome (TPDS1). Also called: BAP1 tumor predisposition syndrome; Tumor susceptibility linked to germline BAP1 mutations; TUMOR PREDISPOSITION SYNDROME 1; COMMON Syndrome. Identifiers: Orphanet 289539, MedGen C3280492, MONDO:0013692, OMIM 614327.
Hereditary cancer-predisposing syndrome. Also called: Neoplastic Syndromes, Hereditary; Tumor predisposition; Hereditary Cancer Syndrome; Hereditary neoplastic syndrome. Identifiers: Orphanet 140162, MedGen C0027672, MeSH D009386, MONDO:0015356.

Submissions (3):

Myriad Genetics, Inc.
Classification: Pathogenic for BAP1-related tumor predisposition syndrome. Last evaluated: 2025-08-22. Review status: criteria provided, single submitter. Criteria: Myriad Autosomal Dominant, Autosomal Recessive and X-Linked Classification Criteria (2023). Collection method: clinical testing. Allele origin: unknown.
Comment: This variant is considered pathogenic. This variant creates a frameshift predicted to result in premature protein truncation.

Ambry Genetics
Classification: Pathogenic for Hereditary cancer-predisposing syndrome. Last evaluated: 2024-10-29. Review status: criteria provided, single submitter. Criteria: Ambry Variant Classification Scheme 2023. Collection method: clinical testing. Allele origin: germline.
Comment: The c.65delT pathogenic mutation, located in coding exon 2 of the BAP1 gene, results from a deletion of one nucleotide at nucleotide position 65, causing a translational frameshift with a predicted alternate stop codon (p.F22Sfs*50). This alteration is expected to result in loss of function by premature protein truncation or nonsense-mediated mRNA decay. As such, this alteration is interpreted as a disease-causing mutation.

Labcorp Genetics (formerly Invitae), Labcorp
Classification: Pathogenic for BAP1-related tumor predisposition syndrome. Last evaluated: 2024-01-29. Review status: criteria provided, single submitter. Criteria: Invitae Variant Classification Sherloc (09022015). Collection method: clinical testing. Allele origin: germline.
Comment: This sequence change creates a premature translational stop signal (p.Phe22Serfs*50) in the BAP1 gene. It is expected to result in an absent or disrupted protein product. Loss-of-function variants in BAP1 are known to be pathogenic (PMID: 21874000, 23684012). This variant is not present in population databases (gnomAD no frequency). This variant has not been reported in the literature in individuals affected with BAP1-related conditions. ClinVar contains an entry for this variant (Variation ID: 412414). For these reasons, this variant has been classified as Pathogenic.

Literature cited by the submitters: PubMed 21874000 (cited by Labcorp Genetics (formerly Invitae), Labcorp); PubMed 23684012 (cited by Labcorp Genetics (formerly Invitae), Labcorp).